The following is an entry in ClinVar:

NM_000458.4(HNF1B):c.1534+11G>A

Gene: HNF1B (HNF1 homeobox B; minus strand). Cytogenetic location: 17q12.
Variant type: single nucleotide variant.
Coding change: c.1534+11G>A on transcript NM_000458.4 (MANE Select); 11 bases into the intron after coding-DNA position 1534, G replaced by A.
Molecular consequence: intron variant.
Genome position (GRCh38, 1-based): chr17:37,700,972, C>T on the plus strand (G>A on the coding strand, the complement: HNF1B is on the minus strand). VCF-style: chr17-37700972-C-T. GRCh37 (hg19) VCF-style: chr17-36060977-C-T.
Other names: c.1261+3945G>A (NM_001304286.2); c.1456+11G>A (NM_001165923.4).
Identifiers: ClinVar variation 1343483 (VCV001343483.10), dbSNP rs373875820, ClinGen allele CA8518817.

ClinVar aggregate classification (germline): Benign/Likely benign. Review status: criteria provided, multiple submitters, no conflicts (2 of 4 stars). 3 submissions from 3 submitters: Benign (1); Likely benign (2). Last evaluated 2025-08-03.

Conditions:
Type 2 diabetes mellitus. Also called: Type II diabetes mellitus. Identifiers: MedGen C0011860, MeSH D003924, MONDO:0005148, OMIM 125853, HP:0005978.
Nonpapillary renal cell carcinoma. Identifiers: Orphanet 422526, MedGen CN074294, MONDO:0007763, OMIM 144700.
Renal cysts and diabetes syndrome (RCAD). Also called: Familial hypoplastic, glomerulocystic kidney; MATURITY-ONSET DIABETES OF THE YOUNG, TYPE 5. Identifiers: Orphanet 93111, MedGen C0431693, MONDO:0007669, OMIM 137920.

Allele frequency attached by ClinVar (database versions not stated): gnomAD exomes 0.00003 and 0.00009; ExAC 0.00014; ESP Exome Variant Server 0.00031.
gnomAD v4.1: 111 of 1,553,392 alleles (0.0071%); highest among the groups gnomAD compares: African/African-American, 0.11%; no homozygotes.

Submissions (3):

Labcorp Genetics (formerly Invitae), Labcorp
Classification: Likely benign. Last evaluated: 2025-08-03. Review status: criteria provided, single submitter. Criteria: Invitae Variant Classification Sherloc (09022015). Collection method: clinical testing. Allele origin: germline.

Women's Health and Genetics/Laboratory Corporation of America, LabCorp
Classification: Benign. Last evaluated: 2022-02-25. Review status: criteria provided, single submitter. Criteria: LabCorp Variant Classification Summary - May 2015. Collection method: clinical testing. Allele origin: germline.
Comment: Variant summary: HNF1B c.1534+11G>A alters a non-conserved nucleotide located close to a canonical splice site and therefore could affect mRNA splicing, leading to a significantly altered protein sequence. 4/4 computational tools predict no significant impact on normal splicing. However, these predictions have yet to be confirmed by functional studies. The variant allele was found at a frequency of 8.7e-05 in 161618 control chromosomes. The observed variant frequency is approximately 34 fold of the estimated maximal expected allele frequency for a pathogenic variant in HNF1B causing Maturity Onset Diabetes Of The Young 5 (Renal Cysts And Diabetes Syndrome) phenotype (2.5e-06), strongly suggesting that the variant is benign. To our knowledge, no occurrence of c.1534+11G>A in individuals affected with Maturity Onset Diabetes Of The Young 5 (Renal Cysts And Diabetes Syndrome) and no experimental evidence demonstrating its impact on protein function have been reported. No clinical diagnostic laboratories have submitted clinical-significance assessments for this variant to ClinVar after 2014. Based on the evidence outlined above, the variant was classified as benign.

Fulgent Genetics
Classification: Likely benign for Type 2 diabetes mellitus; Renal cysts and diabetes syndrome; Nonpapillary renal cell carcinoma. Last evaluated: 2021-08-20. Review status: criteria provided, single submitter. Criteria: ACMG Guidelines, 2015. Collection method: clinical testing. Allele origin: unknown.